The following is an entry in ClinVar:

NM_000814.6(GABRB3):c.311T>C (p.Leu104Pro)

Gene: GABRB3 (gamma-aminobutyric acid type A receptor subunit beta3; minus strand). Cytogenetic location: 15q12.
Variant type: single nucleotide variant.
Coding change: c.311T>C on transcript NM_000814.6 (MANE Select); coding-DNA position 311, T replaced by C.
Protein change: p.Leu104Pro; replaces leucine 104 with proline.
Molecular consequence: missense variant. On other transcripts: non-coding transcript variant (1).
Genome position (GRCh38, 1-based): chr15:26,621,464, A>G on the plus strand (T>C on the coding strand, the complement: GABRB3 is on the minus strand). VCF-style: chr15-26621464-A-G. GRCh37 (hg19) VCF-style: chr15-26866611-A-G.
Other names: c.56T>C, p.Leu19Pro (NM_001191320.2, NM_001278631.2); c.98T>C, p.Leu33Pro (NM_001191321.3); c.311T>C, p.Leu104Pro (NM_021912.5); short protein forms L19P, L104P, L33P.
Identifiers: ClinVar variation 1523365 (VCV001523365.8), dbSNP rs2140537185, ClinGen allele CA391461202.

ClinVar aggregate classification (germline): Uncertain significance (1 of 4 stars; one submission).

Conditions:
Epilepsy, childhood absence, susceptibility to, 5. Identifiers: Orphanet 64280, MedGen C2677087, MONDO:0012843, OMIM 612269.
Epilepsy, childhood absence, susceptibility to, 1. Also called: Epilepsy, childhood absence 1. Identifiers: Orphanet 64280, MedGen C1838604, MONDO:0020759, OMIM 600131.

Submission:

Labcorp Genetics (formerly Invitae), Labcorp
Classification: Uncertain significance for Epilepsy, childhood absence, susceptibility to, 5; Epilepsy, childhood absence, susceptibility to, 1. Last evaluated: 2021-03-25. Review status: criteria provided, single submitter. Criteria: Invitae Variant Classification Sherloc (09022015). Collection method: clinical testing. Allele origin: germline.
Comment: In summary, the available evidence is currently insufficient to determine the role of this variant in disease. Therefore, it has been classified as a Variant of Uncertain Significance. Advanced modeling of protein sequence and biophysical properties (such as structural, functional, and spatial information, amino acid conservation, physicochemical variation, residue mobility, and thermodynamic stability) performed at Invitae indicates that this missense variant is expected to disrupt GABRB3 protein function. This variant has not been reported in the literature in individuals with GABRB3-related conditions. This variant is not present in population databases (ExAC no frequency). This sequence change replaces leucine with proline at codon 104 of the GABRB3 protein (p.Leu104Pro). The leucine residue is moderately conserved and there is a moderate physicochemical difference between leucine and proline.